The following is an entry in ClinVar:

ClinVar aggregate classification (germline): Likely pathogenic. Review status: criteria provided, single submitter (1 of 4 stars). 2 submissions from 2 submitters: Likely pathogenic (1). 1 of the submissions does not count toward it. Last evaluated 2021-04-23.

Conditions:
Hyperlipoproteinemia, type I. Also called: Familial hyperlipo-proteinemia type 1; Hyperlipemia essential familial; HYPERLIPOPROTEINEMIA, TYPE IA; LPL DEFICIENCY; Lipoprotein Lipase Deficiency; Lipase D deficiency. Identifiers: Orphanet 309015, Orphanet 444490, MedGen C0023817, MONDO:0009387, OMIM 238600. Disease mechanism: loss of function.

Submissions (2):

Labcorp Genetics (formerly Invitae), Labcorp
Classification: Likely pathogenic. Last evaluated: 2021-04-23. Review status: criteria provided, single submitter. Criteria: Invitae Variant Classification Sherloc (09022015). Collection method: clinical testing. Allele origin: germline.
Comment: Advanced modeling of protein sequence and biophysical properties (such as structural, functional, and spatial information, amino acid conservation, physicochemical variation, residue mobility, and thermodynamic stability) performed at Invitae indicates that this missense variant is expected to disrupt LPL protein function. Experimental studies have shown that this variant affects LPL protein function (PMID: 30179614). In summary, the currently available evidence indicates that the variant is pathogenic, but additional data are needed to prove that conclusively. Therefore, this variant has been classified as Likely Pathogenic. This variant disrupts the p.Arg270 amino acid residue in LPL. Other variant(s) that disrupt this residue have been determined to be pathogenic (PMID: 23484243, 25966443, 7906986, 1752947). This suggests that this residue is clinically significant, and that variants that disrupt this residue are likely to be disease-causing. This variant has been observed in individual(s) with clinical features of LPL-related conditions (PMID: 28695157, 27206937, 31619059, 27354939). This variant is not present in population databases (ExAC no frequency). This sequence change replaces arginine with glycine at codon 270 of the LPL protein (p.Arg270Gly). The arginine residue is highly conserved and there is a moderate physicochemical difference between arginine and glycine.

Cardiovascular Genetics Laboratory, PathWest Laboratory Medicine WA - Fiona Stanley Hospital
Classification: Pathogenic for Hyperlipoproteinemia, type I. Last evaluated: 2024-03-26. Review status: no assertion criteria provided. Criteria: ACMG Guidelines, 2015. Collection method: clinical testing. Allele origin: germline. Affected: yes. Not counted in ClinVar's aggregate classification.

Literature cited by the submitters: PubMed 30179614 (cited by Labcorp Genetics (formerly Invitae), Labcorp); PubMed 23484243 (cited by Labcorp Genetics (formerly Invitae), Labcorp); PubMed 25966443 (cited by Labcorp Genetics (formerly Invitae), Labcorp); PubMed 7906986 (cited by Labcorp Genetics (formerly Invitae), Labcorp); PubMed 1752947 (cited by Labcorp Genetics (formerly Invitae), Labcorp); PubMed 28695157 (cited by Labcorp Genetics (formerly Invitae), Labcorp); PubMed 27206937 (cited by Labcorp Genetics (formerly Invitae), Labcorp); PubMed 31619059 (cited by Labcorp Genetics (formerly Invitae), Labcorp); PubMed 27354939 (cited by Labcorp Genetics (formerly Invitae), Labcorp).

NM_000237.3(LPL):c.808C>G (p.Arg270Gly)

Gene: LPL (lipoprotein lipase; plus strand). Cytogenetic location: 8p21.3.
Variant type: single nucleotide variant.
Coding change: c.808C>G on transcript NM_000237.3 (MANE Select); coding-DNA position 808, C replaced by G.
Protein change: p.Arg270Gly; replaces arginine 270 with glycine.
Molecular consequence: missense variant.
Genome position (GRCh38, 1-based): chr8:19,955,873, C>G. VCF-style: chr8-19955873-C-G. GRCh37 (hg19) VCF-style: chr8-19813384-C-G.
Other names: short protein forms R270G.
Identifiers: ClinVar variation 1500351 (VCV001500351.9), dbSNP rs118204077, ClinGen allele CA370468999.